The following is an entry in ClinVar:

NM_006440.5(TXNRD2):c.1011C>A (p.Asp337Glu)

Gene: TXNRD2 (thioredoxin reductase 2; minus strand). Cytogenetic location: 22q11.21.
Variant type: single nucleotide variant.
Coding change: c.1011C>A on transcript NM_006440.5 (MANE Select); coding-DNA position 1011, C replaced by A.
Protein change: p.Asp337Glu; replaces aspartic acid 337 with glutamic acid.
Molecular consequence: missense variant. On other transcripts: non-coding transcript variant (1).
Genome position (GRCh38, 1-based): chr22:19,883,400, G>T on the plus strand (C>A on the coding strand, the complement: TXNRD2 is on the minus strand). VCF-style: chr22-19883400-G-T. GRCh37 (hg19) VCF-style: chr22-19870923-G-T.
Other names: c.1008C>A, p.Asp336Glu (NM_001352300.2); c.921C>A, p.Asp307Glu (NM_001352301.2); c.723C>A, p.Asp241Glu (NM_001352302.2); short protein forms D337E, D336E, D241E, D307E.
Identifiers: ClinVar variation 569023 (VCV000569023.9), dbSNP rs1569073275, ClinGen allele CA410682848.
Genomic context (GRCh38, chr22:19,883,400, plus strand): 5'-AATGGCGTAGATGTGGGGCACAGAGGTGGCTTCCCGGGAGTCCACCAGGATCTTCTGAGT[G>T]TCGGGGCTAGTATCTACCCCAGCCTTCTCCAAATTCAGACTTCTGGTGTCTGGGACTCGA-3'
Protein context (NP_006431.2, residues 327-347): LEKAGVDTSP[Asp337Glu]TQKILVDSRE

ClinVar aggregate classification (germline): Uncertain significance (1 of 4 stars; one submission).

Conditions:
Primary dilated cardiomyopathy (DCM). Also called: Dilated Cardiomyopathy. Identifiers: Orphanet 217604, MedGen C0007193, MeSH D002311, MONDO:0005021, HP:0001644. Inheritance: Various modes of inheritance.

Submission:

Labcorp Genetics (formerly Invitae), Labcorp
Classification: Uncertain significance for Primary dilated cardiomyopathy. Last evaluated: 2022-02-04. Review status: criteria provided, single submitter. Criteria: Invitae Variant Classification Sherloc (09022015). Collection method: clinical testing. Allele origin: germline.
Comment: This variant is not present in population databases (gnomAD no frequency). In summary, the available evidence is currently insufficient to determine the role of this variant in disease. Therefore, it has been classified as a Variant of Uncertain Significance. Algorithms developed to predict the effect of missense changes on protein structure and function output the following: SIFT: "Tolerated"; PolyPhen-2: "Benign"; Align-GVGD: "Class C0". The glutamic acid amino acid residue is found in multiple mammalian species, which suggests that this missense change does not adversely affect protein function. ClinVar contains an entry for this variant (Variation ID: 569023). This variant has not been reported in the literature in individuals affected with TXNRD2-related conditions. This sequence change replaces aspartic acid, which is acidic and polar, with glutamic acid, which is acidic and polar, at codon 337 of the TXNRD2 protein (p.Asp337Glu).